The following is an entry in ClinVar:

ClinVar aggregate classification (germline): Uncertain significance (1 of 4 stars; one submission).

Submission:

Labcorp Genetics (formerly Invitae), Labcorp
Classification: Uncertain significance. Last evaluated: 2023-05-01. Review status: criteria provided, single submitter. Criteria: Invitae Variant Classification Sherloc (09022015). Collection method: clinical testing. Allele origin: germline.
Comment: An algorithm developed to predict the effect of missense changes on protein structure and function (PolyPhen-2) suggests that this variant is likely to be tolerated. This variant has not been reported in the literature in individuals affected with GCGR-related conditions. This variant is not present in population databases (gnomAD no frequency). This sequence change replaces aspartic acid, which is acidic and polar, with glutamic acid, which is acidic and polar, at codon 370 of the GCGR protein (p.Asp370Glu). In summary, the available evidence is currently insufficient to determine the role of this variant in disease. Therefore, it has been classified as a Variant of Uncertain Significance.

NM_000160.5(GCGR):c.1110C>A (p.Asp370Glu)

Gene: GCGR (glucagon receptor; plus strand). Cytogenetic location: 17q25.3.
Variant type: single nucleotide variant.
Coding change: c.1110C>A on transcript NM_000160.5 (MANE Select); coding-DNA position 1110, C replaced by A.
Protein change: p.Asp370Glu; replaces aspartic acid 370 with glutamic acid.
Molecular consequence: missense variant.
Genome position (GRCh38, 1-based): chr17:81,812,879, C>A. VCF-style: chr17-81812879-C-A. GRCh37 (hg19) VCF-style: chr17-79770755-C-A.
Other names: short protein forms D370E.
Identifiers: ClinVar variation 2857641 (VCV002857641.3), dbSNP rs985466470, ClinGen allele CA401504651.